The following is an entry in ClinVar:

ClinVar aggregate classification (germline): Uncertain significance (1 of 4 stars; one submission).

Submission:

Labcorp Genetics (formerly Invitae), Labcorp
Classification: Uncertain significance. Last evaluated: 2022-03-02. Review status: criteria provided, single submitter. Criteria: Invitae Variant Classification Sherloc (09022015). Collection method: clinical testing. Allele origin: germline.
Comment: This sequence change replaces aspartic acid, which is acidic and polar, with valine, which is neutral and non-polar, at codon 265 of the MYCN protein (p.Asp265Val). This variant is not present in population databases (gnomAD no frequency). This variant has not been reported in the literature in individuals affected with MYCN-related conditions. Algorithms developed to predict the effect of missense changes on protein structure and function are either unavailable or do not agree on the potential impact of this missense change (SIFT: "Tolerated"; PolyPhen-2: "Probably Damaging"; Align-GVGD: "Class C0"). In summary, the available evidence is currently insufficient to determine the role of this variant in disease. Therefore, it has been classified as a Variant of Uncertain Significance.

NM_005378.6(MYCN):c.794A>T (p.Asp265Val)

Gene: MYCN (MYCN proto-oncogene, bHLH transcription factor; plus strand). Cytogenetic location: 2p24.3.
Variant type: single nucleotide variant.
Coding change: c.794A>T on transcript NM_005378.6 (MANE Select); coding-DNA position 794, A replaced by T.
Protein change: p.Asp265Val; replaces aspartic acid 265 with valine.
Molecular consequence: missense variant. On other transcripts: 3 prime UTR variant (1).
Genome position (GRCh38, 1-based): chr2:15,945,496, A>T. VCF-style: chr2-15945496-A-T. GRCh37 (hg19) VCF-style: chr2-16085618-A-T.
Other names: c.794A>T, p.Asp265Val (NM_001293228.2); c.161A>T, p.Asp54Val (NM_001293231.2); c.*729A>T (NM_001293233.2); short protein forms D265V, D54V.
Identifiers: ClinVar variation 2105662 (VCV002105662.4), dbSNP rs751108330, ClinGen allele CA345931615.